The following is an entry in ClinVar:

NM_022356.4(P3H1):c.935A>G (p.Tyr312Cys)

Gene: P3H1 (prolyl 3-hydroxylase 1; minus strand). Cytogenetic location: 1p34.2.
Variant type: single nucleotide variant.
Coding change: c.935A>G on transcript NM_022356.4 (MANE Select); coding-DNA position 935, A replaced by G.
Protein change: p.Tyr312Cys; replaces tyrosine 312 with cysteine.
Molecular consequence: missense variant.
Genome position (GRCh38, 1-based): chr1:42,758,857, T>C on the plus strand (A>G on the coding strand, the complement: P3H1 is on the minus strand). VCF-style: chr1-42758857-T-C. GRCh37 (hg19) VCF-style: chr1-43224528-T-C.
Other names: c.935A>G, p.Tyr312Cys (NM_001146289.2, NM_001243246.2); short protein forms Y312C.
Identifiers: ClinVar variation 1415607 (VCV001415607.5), dbSNP rs374135158, ClinGen allele CA802031.

ClinVar aggregate classification (germline): Uncertain significance (1 of 4 stars; one submission).

Conditions:
Osteogenesis imperfecta type 8 (OI8). Identifiers: MedGen C1970458, MONDO:0012581, OMIM 610915.

Allele frequency attached by ClinVar (database versions not stated): ExAC 0.00002; gnomAD exomes 0.00002; TOPMed 0.00002; gnomAD 0.00004; ESP Exome Variant Server 0.00008.
gnomAD v4.1: 29 of 1,614,070 alleles (0.0018%); highest among the groups gnomAD compares: African/African-American, 0.008%; no homozygotes.

Submission:

Labcorp Genetics (formerly Invitae), Labcorp
Classification: Uncertain significance for Osteogenesis imperfecta type 8. Last evaluated: 2021-12-25. Review status: criteria provided, single submitter. Criteria: Invitae Variant Classification Sherloc (09022015). Collection method: clinical testing. Allele origin: germline.
Comment: This sequence change replaces tyrosine, which is neutral and polar, with cysteine, which is neutral and slightly polar, at codon 312 of the P3H1 protein (p.Tyr312Cys). This variant is present in population databases (rs374135158, gnomAD 0.008%). This variant has not been reported in the literature in individuals affected with P3H1-related conditions. Algorithms developed to predict the effect of missense changes on protein structure and function (SIFT, PolyPhen-2, Align-GVGD) all suggest that this variant is likely to be disruptive. Algorithms developed to predict the effect of sequence changes on RNA splicing suggest that this variant may create or strengthen a splice site. In summary, the available evidence is currently insufficient to determine the role of this variant in disease. Therefore, it has been classified as a Variant of Uncertain Significance.